The following is an entry in ClinVar:

NM_001367721.1(CASK):c.600A>G (p.Val200=)

Gene: CASK (calcium/calmodulin dependent serine protein kinase; minus strand). Cytogenetic location: Xp11.4.
Variant type: single nucleotide variant.
Coding change: c.600A>G on transcript NM_001367721.1 (MANE Select); coding-DNA position 600, A replaced by G.
Protein change: p.Val200=; no amino-acid change (valine 200 retained).
Molecular consequence: synonymous variant.
Genome position (GRCh38, 1-based): chrX:41,665,385, T>C on the plus strand (A>G on the coding strand, the complement: CASK is on the minus strand). VCF-style: chrX-41665385-T-C. GRCh37 (hg19) VCF-style: chrX-41524638-T-C.
Other names: c.600A>G, p.Val200= (NM_001126054.3, NM_001126055.3, NM_001410745.1 and 1 more transcripts).
Identifiers: ClinVar variation 158078 (VCV000158078.39), dbSNP rs147738759, ClinGen allele CA171485.
Genomic context (GRCh38, chrX:41,665,385, plus strand): 5'-GTAAAAAGGCAAACAACCACTGAGCAGGATAAAAAGGATCACACCGCACCCCCAGACGTC[T>C]ACAGGCTTTCCGTAAGGCTCTCTTTTGACCACTTCTGGTGCCATAAAATGAGGTGTTCCA-3'
Protein context (NP_001354650.1, residues 190-210): VVKREPYGKP[Val200=]DVWGCGVILF

ClinVar aggregate classification (germline): Benign/Likely benign. Review status: criteria provided, multiple submitters, no conflicts (2 of 4 stars). 4 submissions from 4 submitters: Benign (1); Likely benign (3). Last evaluated 2025-02-24.

Conditions:
Intellectual disability, CASK-related, X-linked. Identifiers: MedGen CN043158.

Allele frequency attached by ClinVar (database versions not stated): gnomAD exomes 0.00001 and 0.00006; ExAC 0.00007; ESP Exome Variant Server 0.00019; TOPMed 0.00019; gnomAD 0.00022 and 0.00024.
gnomAD v4.1: 40 of 1,207,047 alleles (0.0033%); highest among the groups gnomAD compares: African/African-American, 0.059%; no homozygotes.

Submissions (4):

Labcorp Genetics (formerly Invitae), Labcorp
Classification: Benign for Intellectual disability, CASK-related, X-linked. Last evaluated: 2025-02-24. Review status: criteria provided, single submitter. Criteria: Invitae Variant Classification Sherloc (09022015). Collection method: clinical testing. Allele origin: germline.

CeGaT Center for Human Genetics Tuebingen
Classification: Likely benign. Last evaluated: 2022-07-01. Review status: criteria provided, single submitter. Criteria: CeGaT Center For Human Genetics Tuebingen Variant Classification Criteria Version 2. Collection method: clinical testing. Allele origin: germline. Affected: yes. Observed: 1 variant allele.
Comment: CASK: BP4, BP7

Genetic Services Laboratory, University of Chicago
Classification: Likely benign. Last evaluated: 2013-02-08. Review status: criteria provided, single submitter. Criteria: ACMG Guidelines, 2007. Collection method: clinical testing. Allele origin: germline. Inheritance: X-linked inheritance.

Breakthrough Genomics
Classification: Likely benign. Review status: criteria provided, single submitter. Criteria: ACMG Guidelines, 2015. Collection method: not provided. Allele origin: germline. Inheritance: X-linked inheritance. Affected: yes.